The following is an entry in ClinVar:

ClinVar aggregate classification (germline): Conflicting classifications of pathogenicity. Review status: criteria provided, conflicting classifications (1 of 4 stars). 3 submissions from 3 submitters: Uncertain significance (1); Benign (1). 1 of the submissions does not count toward it. Last evaluated 2025-10-02.

Conditions:
HES7-related disorder. Also called: HES7-related condition.

Allele frequency attached by ClinVar (database versions not stated): gnomAD exomes 0.00017; ExAC 0.00032; ESP Exome Variant Server 0.00039; 1000 Genomes Project 0.00060; 1000 Genomes Project 30x 0.00062; gnomAD 0.00093; TOPMed 0.00107.

Submissions (3):

Labcorp Genetics (formerly Invitae), Labcorp
Classification: Benign. Last evaluated: 2025-10-02. Review status: criteria provided, single submitter. Criteria: Invitae Variant Classification Sherloc (09022015). Collection method: clinical testing. Allele origin: germline.

Eurofins Ntd Llc (ga)
Classification: Uncertain significance. Last evaluated: 2015-11-18. Review status: criteria provided, single submitter. Criteria: EGL Classification Definitions 2015. Collection method: clinical testing. Allele origin: germline. Observed: 1 variant allele, 1 heterozygote.

PreventionGenetics, part of Exact Sciences
Classification: Likely benign for HES7-related condition. Last evaluated: 2023-03-08. Review status: no assertion criteria provided. Collection method: clinical testing. Allele origin: germline. Not counted in ClinVar's aggregate classification.
Comment: This variant is classified as likely benign based on ACMG/AMP sequence variant interpretation guidelines (Richards et al. 2015 PMID: 25741868, with internal and published modifications).

NM_001165967.2(HES7):c.420G>A (p.Pro140=)

Genes: HES7 (hes family bHLH transcription factor 7; minus strand), LOC130060203 (ATAC-STARR-seq lymphoblastoid silent region 8155; plus strand). Cytogenetic location: 17p13.1.
Variant type: single nucleotide variant.
Coding change: c.420G>A on transcript NM_001165967.2 (MANE Select); coding-DNA position 420, G replaced by A.
Protein change: p.Pro140=; no amino-acid change (proline 140 retained).
Molecular consequence: synonymous variant.
Genome position (GRCh38, 1-based): chr17:8,121,844, C>T on the plus strand (G>A on the coding strand, the complement: HES7 is on the minus strand). VCF-style: chr17-8121844-C-T. GRCh37 (hg19) VCF-style: chr17-8025162-C-T.
Other names: c.405G>A, p.Pro135= (NM_032580.4).
Identifiers: ClinVar variation 284614 (VCV000284614.18), dbSNP rs200833034, ClinGen allele CA8368637.